The following is an entry in ClinVar:

NM_013432.5(TONSL):c.1645G>A (p.Val549Met)

Genes: TONSL (tonsoku like, DNA repair protein; minus strand), TONSL-AS1 (TONSL antisense RNA 1; plus strand). Cytogenetic location: 8q24.3.
Variant type: single nucleotide variant.
Coding change: c.1645G>A on transcript NM_013432.5 (MANE Select); coding-DNA position 1645, G replaced by A.
Protein change: p.Val549Met; replaces valine 549 with methionine.
Molecular consequence: missense variant.
Genome position (GRCh38, 1-based): chr8:144,438,479, C>T on the plus strand (G>A on the coding strand, the complement: TONSL is on the minus strand). VCF-style: chr8-144438479-C-T. GRCh37 (hg19) VCF-style: chr8-145663862-C-T.
Other names: short protein forms V549M.
Identifiers: ClinVar variation 1474814 (VCV001474814.5), dbSNP rs774903577, ClinGen allele CA4943133.

ClinVar aggregate classification (germline): Uncertain significance (1 of 4 stars; one submission).

Allele frequency attached by ClinVar (database versions not stated): gnomAD 0.00002 and 0.00003; gnomAD exomes 0.00002; ExAC 0.00003; TOPMed 0.00003.
gnomAD v4.1: 12 of 1,612,586 alleles (0.00074%); highest among the groups gnomAD compares: Admixed American, 0.005%; no homozygotes.

Submission:

Labcorp Genetics (formerly Invitae), Labcorp
Classification: Uncertain significance. Last evaluated: 2022-06-13. Review status: criteria provided, single submitter. Criteria: Invitae Variant Classification Sherloc (09022015). Collection method: clinical testing. Allele origin: germline.
Comment: This sequence change replaces valine, which is neutral and non-polar, with methionine, which is neutral and non-polar, at codon 549 of the TONSL protein (p.Val549Met). This variant is present in population databases (rs774903577, gnomAD 0.009%). This variant has not been reported in the literature in individuals affected with TONSL-related conditions. Algorithms developed to predict the effect of missense changes on protein structure and function are either unavailable or do not agree on the potential impact of this missense change (SIFT: "Deleterious"; PolyPhen-2: "Probably Damaging"; Align-GVGD: "Class C0"). Algorithms developed to predict the effect of sequence changes on RNA splicing suggest that this variant may create or strengthen a splice site. In summary, the available evidence is currently insufficient to determine the role of this variant in disease. Therefore, it has been classified as a Variant of Uncertain Significance.